The following is an entry in ClinVar:

ClinVar aggregate classification (germline): Uncertain significance (1 of 4 stars; one submission).

Conditions:
Epileptic encephalopathy. Identifiers: MedGen C0543888, HP:0200134.

Allele frequency attached by ClinVar (database versions not stated): gnomAD 0.00001; ExAC 0.00002; gnomAD exomes 0.00002; TOPMed 0.00004.
gnomAD v4.1: 28 of 1,613,342 alleles (0.0017%); highest among the groups gnomAD compares: East Asian, 0.0089%; no homozygotes.

Submission:

Labcorp Genetics (formerly Invitae), Labcorp
Classification: Uncertain significance for Epileptic encephalopathy. Last evaluated: 2022-08-23. Review status: criteria provided, single submitter. Criteria: Invitae Variant Classification Sherloc (09022015). Collection method: clinical testing. Allele origin: germline.
Comment: Algorithms developed to predict the effect of missense changes on protein structure and function (SIFT, PolyPhen-2, Align-GVGD) all suggest that this variant is likely to be disruptive. In summary, the available evidence is currently insufficient to determine the role of this variant in disease. Therefore, it has been classified as a Variant of Uncertain Significance. ClinVar contains an entry for this variant (Variation ID: 1037993). This variant has not been reported in the literature in individuals affected with RYR3-related conditions. This variant is present in population databases (rs747174943, gnomAD 0.006%). This sequence change replaces arginine, which is basic and polar, with tryptophan, which is neutral and slightly polar, at codon 643 of the RYR3 protein (p.Arg643Trp).

NM_001036.6(RYR3):c.1927C>T (p.Arg643Trp)

Gene: RYR3 (ryanodine receptor 3; plus strand). Cytogenetic location: 15q14.
Variant type: single nucleotide variant.
Coding change: c.1927C>T on transcript NM_001036.6 (MANE Select); coding-DNA position 1927, C replaced by T.
Protein change: p.Arg643Trp; replaces arginine 643 with tryptophan.
Molecular consequence: missense variant.
Genome position (GRCh38, 1-based): chr15:33,603,127, C>T. VCF-style: chr15-33603127-C-T. GRCh37 (hg19) VCF-style: chr15-33895328-C-T.
Other names: c.1927C>T (NM_001036.4); c.1927C>T, p.Arg643Trp (NM_001243996.4); short protein forms R643W.
Identifiers: ClinVar variation 1037993 (VCV001037993.10), dbSNP rs747174943, ClinGen allele CA7458297.
Genomic context (GRCh38, chr15:33,603,127, plus strand): 5'-TTGCTTTCTCAGCTTTTAAGGGTGTGTAGATGCCACTTGCCCATGTTTACTTTCAGTATC[C>T]GGCCAAACATCTTCCTGGGAGTCGCGGAGGGCTCAGCCCAGTACAAGAAGTGGTACTTCG-3'
Protein context (NP_001027.3, residues 633-653): TRLINDVTSI[Arg643Trp]PNIFLGVAEG